The following is an entry in ClinVar:

ClinVar aggregate classification (germline): Uncertain significance. Review status: criteria provided, multiple submitters, no conflicts (2 of 4 stars). 2 submissions from 2 submitters: Uncertain significance (2). Last evaluated 2024-04-10.

Conditions:
Hereditary cancer-predisposing syndrome. Also called: Hereditary neoplastic syndrome; Neoplastic Syndromes, Hereditary; Tumor predisposition; Hereditary Cancer Syndrome. Identifiers: Orphanet 140162, MedGen C0027672, MeSH D009386, MONDO:0015356.
Pheochromocytoma. Also called: MAX-Related Hereditary Paraganglioma-Pheochromocytoma Syndrome. Identifiers: Orphanet 29072, MedGen C0031511, MONDO:0008233, OMIM 171300, HP:0002666.
Cowden syndrome 3 (CWS3). Identifiers: Orphanet 201, MedGen CN166604, MONDO:0014045.
Carney-Stratakis syndrome. Also called: PARAGANGLIOMA AND GASTROINTESTINAL STROMAL TUMOR. Identifiers: Orphanet 97286, MedGen C1847319, MONDO:0011740, OMIM 606864.
Paragangliomas with sensorineural hearing loss. Identifiers: MedGen C1868633.

Submissions (2):

Labcorp Genetics (formerly Invitae), Labcorp
Classification: Uncertain significance for Carney-Stratakis syndrome; Paragangliomas with sensorineural hearing loss; Pheochromocytoma; Cowden syndrome 3. Last evaluated: 2024-04-10. Review status: criteria provided, single submitter. Criteria: Invitae Variant Classification Sherloc (09022015). Collection method: clinical testing. Allele origin: germline.
Comment: This sequence change replaces methionine, which is neutral and non-polar, with valine, which is neutral and non-polar, at codon 155 of the SDHD protein (p.Met155Val). This variant is not present in population databases (gnomAD no frequency). This variant has not been reported in the literature in individuals affected with SDHD-related conditions. ClinVar contains an entry for this variant (Variation ID: 1509022). Advanced modeling of protein sequence and biophysical properties (such as structural, functional, and spatial information, amino acid conservation, physicochemical variation, residue mobility, and thermodynamic stability) has been performed at Invitae for this missense variant, however the output from this modeling did not meet the statistical confidence thresholds required to predict the impact of this variant on SDHD protein function. In summary, the available evidence is currently insufficient to determine the role of this variant in disease. Therefore, it has been classified as a Variant of Uncertain Significance.

Ambry Genetics
Classification: Uncertain significance for Hereditary cancer-predisposing syndrome. Last evaluated: 2023-12-11. Review status: criteria provided, single submitter. Criteria: Ambry Variant Classification Scheme 2023. Collection method: clinical testing. Allele origin: germline.
Comment: The p.M155V variant (also known as c.463A>G), located in coding exon 4 of the SDHD gene, results from an A to G substitution at nucleotide position 463. The methionine at codon 155 is replaced by valine, an amino acid with highly similar properties. This amino acid position is conserved. In addition, the in silico prediction for this alteration is inconclusive. Since supporting evidence is limited at this time, the clinical significance of this alteration remains unclear.

NM_003002.4(SDHD):c.463A>G (p.Met155Val)

Gene: SDHD (succinate dehydrogenase complex subunit D; plus strand). Cytogenetic location: 11q23.1.
Variant type: single nucleotide variant.
Coding change: c.463A>G on transcript NM_003002.4 (MANE Select); coding-DNA position 463, A replaced by G.
Protein change: p.Met155Val; replaces methionine 155 with valine.
Molecular consequence: missense variant. On other transcripts: 3 prime UTR variant (2), non-coding transcript variant (1).
Genome position (GRCh38, 1-based): chr11:112,094,953, A>G. VCF-style: chr11-112094953-A-G. GRCh37 (hg19) VCF-style: chr11-111965677-A-G.
Other names: c.*60A>G (NM_001276503.2); c.346A>G, p.Met116Val (NM_001276504.2); c.*161A>G (NM_001276506.2); c.463A>G (NM_003002.2); short protein forms M155V, M116V.
Identifiers: ClinVar variation 1509022 (VCV001509022.9), dbSNP rs2135277828, ClinGen allele CA382619554.